The following is an entry in ClinVar:

NM_000231.3(SGCG):c.801_802del (p.Pro268fs)

Gene: SGCG (sarcoglycan gamma; plus strand). Cytogenetic location: 13q12.12.
Variant type: Deletion.
Coding change: c.801_802del on transcript NM_000231.3 (MANE Select); coding-DNA positions 801 to 802, 2 bases deleted (TC; older notation c.801_802delTC).
Protein change: p.Pro268fs; shifts the reading frame from proline 268.
Molecular consequence: frameshift variant.
Genome position (GRCh38, 1-based): chr13:23,324,466-23,324,467, TC deleted. VCF-style (leftmost placement, unchanged base first): chr13-23324465-GTC-G. GRCh37 (hg19) VCF-style: chr13-23898604-GTC-G.
Other names: c.855_856del, p.Pro286fs (NM_001378244.1); c.801_802del, p.Pro268fs (NM_001378245.1, NM_001378246.1); c.801_802del (NM_000231.2); c.801_802delTC (NM_000231.2); short protein forms P268fs, P286fs.
Identifiers: ClinVar variation 2005 (VCV000002005.8), dbSNP rs2137534216, ClinGen allele CA915940518.

ClinVar aggregate classification (germline): Likely pathogenic. Review status: criteria provided, multiple submitters, no conflicts (2 of 4 stars). 5 submissions from 5 submitters: Likely pathogenic (4). 1 of the submissions does not count toward it. Last evaluated 2025-05-13.

Conditions:
Autosomal recessive limb-girdle muscular dystrophy type 2C (LGMDR5). Also called: MUSCULAR DYSTROPHY, LIMB-GIRDLE, AUTOSOMAL RECESSIVE 5; MUSCULAR DYSTROPHY, DUCHENNE-LIKE. Identifiers: Orphanet 353, MedGen C0410173, MONDO:0009677, OMIM 253700. Disease mechanism: Affects gamma-sarcoglycan and also disrupts the integrity of the entire sarcoglycan complex..

Submissions (5):

Myriad Genetics, Inc.
Classification: Likely pathogenic for Autosomal recessive limb-girdle muscular dystrophy type 2C. Last evaluated: 2025-05-13. Review status: criteria provided, single submitter. Criteria: Myriad Autosomal Dominant, Autosomal Recessive and X-Linked Classification Criteria (2023). Collection method: clinical testing. Allele origin: unknown.
Comment: NM_000231.2(SGCG):c.801_802delTC(P268Rfs*50) is a frameshift variant that results in protein elongation classified as likely pathogenic in the context of gamma-sarcoglycanopathy. P268Rfs*50 has been observed in cases with relevant disease (PMID: 28889091, 9429136, 8923014). Relevant functional assessments of this variant are not available in the literature. P268Rfs*50 has not been observed in referenced population frequency databases. In summary, NM_000231.2(SGCG):c.801_802delTC(P268Rfs*50) is a frameshift variant that results in protein elongation in a gene where loss of function is a known mechanism of disease, is predicted to disrupt protein function, and has been observed more frequently in cases with the relevant disease than in healthy populations. Please note: this variant was assessed in the context of healthy population screening.

GeneDx
Classification: Likely pathogenic. Last evaluated: 2024-06-12. Review status: criteria provided, single submitter. Criteria: GeneDx Variant Classification Process June 2021. Collection method: clinical testing. Allele origin: germline. Affected: yes.
Comment: Frameshift variant predicted to result in abnormal protein length as the last 24 amino acids are replaced with 49 different amino acids, and other similar variants have been reported in HGMD; Not observed at significant frequency in large population cohorts (gnomAD); This variant is associated with the following publications: (PMID: 8923014)

Baylor Genetics
Classification: Likely pathogenic for Autosomal recessive limb-girdle muscular dystrophy type 2C. Last evaluated: 2022-12-07. Review status: criteria provided, single submitter. Criteria: ACMG Guidelines, 2015. Collection method: clinical testing. Allele origin: unknown.

Mayo Clinic Laboratories, Mayo Clinic
Classification: Likely pathogenic. Last evaluated: 2021-09-14. Review status: criteria provided, single submitter. Criteria: ACMG Guidelines, 2015. Collection method: clinical testing. Allele origin: germline.
Comment: PM2, PM3_supporting, PVS1_strong

OMIM
Classification: Pathogenic for MUSCULAR DYSTROPHY, LIMB-GIRDLE, AUTOSOMAL RECESSIVE 5. Last evaluated: 1996-11-01. Review status: no assertion criteria provided. Collection method: literature only. Allele origin: germline. Not counted in ClinVar's aggregate classification.

Literature cited by the submitters: PubMed 28889091 (cited by Myriad Genetics, Inc.); PubMed 8923014 (cited by 3 submitters); PubMed 9429136 (cited by Myriad Genetics, Inc.).